The following is an entry in ClinVar:

NM_001291303.3(FAT4):c.9649C>T (p.His3217Tyr)

Gene: FAT4 (FAT atypical cadherin 4; plus strand). Cytogenetic location: 4q28.1.
Variant type: single nucleotide variant.
Coding change: c.9649C>T on transcript NM_001291303.3 (MANE Select); coding-DNA position 9649, C replaced by T.
Protein change: p.His3217Tyr; replaces histidine 3217 with tyrosine.
Molecular consequence: missense variant.
Genome position (GRCh38, 1-based): chr4:125,450,659, C>T. VCF-style: chr4-125450659-C-T. GRCh37 (hg19) VCF-style: chr4-126371814-C-T.
Other names: c.9649C>T, p.His3217Tyr (NM_001291285.3); c.9643C>T, p.His3215Tyr (NM_024582.6); short protein forms H3215Y, H3217Y.
Identifiers: ClinVar variation 380798 (VCV000380798.13), dbSNP rs73849225, ClinGen allele CA3073560.

ClinVar aggregate classification (germline): Benign. Review status: criteria provided, multiple submitters, no conflicts (2 of 4 stars). 6 submissions from 6 submitters: Benign (4). 2 of the submissions do not count toward it. Last evaluated 2026-02-04.

Allele frequency attached by ClinVar (database versions not stated): gnomAD exomes 0.07000 and 0.07559; ExAC 0.08030; 1000 Genomes Project 0.11781; 1000 Genomes Project 30x 0.12102; gnomAD 0.12116 and 0.12573; TOPMed 0.12628; ESP Exome Variant Server 0.13755.
gnomAD v4.1: 121,267 of 1,613,818 alleles (7.5%); highest among the groups gnomAD compares: African/African-American, 26%; 6,211 homozygotes.

Submissions (6):

Labcorp Genetics (formerly Invitae), Labcorp
Classification: Benign. Last evaluated: 2026-02-04. Review status: criteria provided, single submitter. Criteria: Invitae Variant Classification Sherloc (09022015). Collection method: clinical testing. Allele origin: germline.

Blueprint Genetics
Classification: Benign. Last evaluated: 2024-11-26. Review status: criteria provided, single submitter. Criteria: ACMG Guidelines, 2015. Collection method: clinical testing. Allele origin: germline.

GeneDx
Classification: Benign. Last evaluated: 2016-01-20. Review status: criteria provided, single submitter. Criteria: GeneDx Variant Classification (06012015). Collection method: clinical testing. Allele origin: germline. Affected: yes.
Comment: This variant is considered likely benign or benign based on one or more of the following criteria: it is a conservative change, it occurs at a poorly conserved position in the protein, it is predicted to be benign by multiple in silico algorithms, and/or has population frequency not consistent with disease.

Breakthrough Genomics
Classification: Benign. Review status: criteria provided, single submitter. Criteria: ACMG Guidelines, 2015. Collection method: not provided. Allele origin: germline. Inheritance: Autosomal recessive inheritance. Affected: yes.

Clinical Genetics DNA and cytogenetics Diagnostics Lab, Erasmus MC, Erasmus Medical Center
Classification: Benign. Review status: no assertion criteria provided. Collection method: clinical testing. Allele origin: germline. Affected: yes. Study: VKGL Data-share Consensus. Not counted in ClinVar's aggregate classification.

Clinical Genetics, Academic Medical Center
Classification: Benign. Review status: no assertion criteria provided. Collection method: clinical testing. Allele origin: germline. Affected: yes. Study: VKGL Data-share Consensus. Not counted in ClinVar's aggregate classification.